The following is an entry in ClinVar:

ClinVar aggregate classification (germline): Uncertain significance (1 of 4 stars; one submission).

Allele frequency attached by ClinVar (database versions not stated): gnomAD exomes below 0.00001; gnomAD 0.00003.
gnomAD v4.1: 9 of 1,610,086 alleles (0.00056%); highest among the groups gnomAD compares: African/African-American, 0.011%; no homozygotes.

Submission:

CeGaT Center for Human Genetics Tuebingen
Classification: Uncertain significance. Last evaluated: 2023-04-01. Review status: criteria provided, single submitter. Criteria: CeGaT Center For Human Genetics Tuebingen Variant Classification Criteria Version 2. Collection method: clinical testing. Allele origin: germline. Affected: yes. Observed: 1 variant allele.
Comment: ASPM: PM2

NM_018136.5(ASPM):c.3083G>A (p.Gly1028Glu)

Gene: ASPM (assembly factor for spindle microtubules; minus strand). Cytogenetic location: 1q31.3.
Variant type: single nucleotide variant.
Coding change: c.3083G>A on transcript NM_018136.5 (MANE Select); coding-DNA position 3083, G replaced by A.
Protein change: p.Gly1028Glu; replaces glycine 1028 with glutamic acid.
Molecular consequence: missense variant.
Genome position (GRCh38, 1-based): chr1:197,124,955, C>T on the plus strand (G>A on the coding strand, the complement: ASPM is on the minus strand). VCF-style: chr1-197124955-C-T. GRCh37 (hg19) VCF-style: chr1-197094085-C-T.
Other names: c.3083G>A, p.Gly1028Glu (NM_001206846.2); short protein forms G1028E.
Identifiers: ClinVar variation 2570748 (VCV002570748.27), dbSNP rs1354172288, ClinGen allele CA344044517.